The following is an entry in ClinVar:

ClinVar aggregate classification (germline): Benign. Review status: criteria provided, multiple submitters, no conflicts (2 of 4 stars). 10 submissions from 9 submitters: Benign (10). Last evaluated 2026-02-04.

Conditions:
Developmental and epileptic encephalopathy, 28 (DEE28). Also called: Epileptic encephalopathy, early infantile, 28. Identifiers: Orphanet 442835, MedGen C4015519, MONDO:0014533, OMIM 616211.
Autosomal recessive spinocerebellar ataxia 12. Also called: SPINOCEREBELLAR ATAXIA WITH MENTAL RETARDATION AND EPILEPSY. Identifiers: Orphanet 284282, MedGen C3280452, MONDO:0013687, OMIM 614322.
Developmental and epileptic encephalopathy, 1 (DEE1). Also called: X-linked infantile spasms; West's syndrome; Tonic spasms with clustering, arrest of psychomotor development and hypsarrhythmia on EEG; X-Linked Infantile Spasm Syndrome; OHTAHARA SYNDROME, X-LINKED; INFANTILE SPASM SYNDROME, X-LINKED 1. Identifiers: MedGen C3463992, MONDO:0010632, OMIM 308350. Disease mechanism: loss of function.

Allele frequency attached by ClinVar (database versions not stated): gnomAD exomes 0.72984 and 0.74782; ESP Exome Variant Server 0.74345; ExAC 0.74821; gnomAD 0.75307 and 0.75490; TOPMed 0.76391; 1000 Genomes Project 0.78914; 1000 Genomes Project 30x 0.79185.
gnomAD v4.1: 1,180,506 of 1,612,444 alleles (73%); highest among the groups gnomAD compares: East Asian, 91%; 433,805 homozygotes.

Submissions (13):

Labcorp Genetics (formerly Invitae), Labcorp
Classification: Benign for Developmental and epileptic encephalopathy, 1; Autosomal recessive spinocerebellar ataxia 12. Last evaluated: 2026-02-04. Review status: criteria provided, single submitter. Criteria: Invitae Variant Classification Sherloc (09022015). Collection method: clinical testing. Allele origin: germline.

Blueprint Genetics
Classification: Benign. Last evaluated: 2024-11-27. Review status: criteria provided, single submitter. Criteria: ACMG Guidelines, 2015. Collection method: clinical testing. Allele origin: germline.

Unidad de Genómica Garrahan, Hospital de Pediatría Garrahan
Classification: Benign. Last evaluated: 2024-07-15. Review status: criteria provided, single submitter. Criteria: ACMG Guidelines, 2015. Collection method: clinical testing. Allele origin: germline. Affected: no. Observed: 90 variant alleles.
Comment: This variant is classified as Benign based on local population frequency. This variant was detected in 97% of patients studied in a panel designed for Epileptic and Developmental Encephalopathy and Progressive Myoclonus Epilepsy. Number of patients: 90. Only high quality variants are reported.

Genome-Nilou Lab
Classification: Benign for Developmental and epileptic encephalopathy, 28. Last evaluated: 2021-12-05. Review status: criteria provided, single submitter. Criteria: ACMG Guidelines, 2015. Collection method: clinical testing. Allele origin: germline. Affected: no.

Genome-Nilou Lab
Classification: Benign for Autosomal recessive spinocerebellar ataxia 12. Last evaluated: 2021-12-05. Review status: criteria provided, single submitter. Criteria: ACMG Guidelines, 2015. Collection method: clinical testing. Allele origin: germline. Affected: no.

Mayo Clinic Laboratories, Mayo Clinic
Classification: Benign. Last evaluated: 2018-04-02. Review status: criteria provided, single submitter. Criteria: ACMG Guidelines, 2015. Collection method: clinical testing. Allele origin: germline. Observed: 506 variant alleles.

Athena Diagnostics
Classification: Benign. Last evaluated: 2017-04-20. Review status: criteria provided, single submitter. Criteria: Athena Diagnostics Criteria. Collection method: clinical testing. Allele origin: germline.

GeneDx
Classification: Benign. Last evaluated: 2016-01-07. Review status: criteria provided, single submitter. Criteria: GeneDx Variant Classification (06012015). Collection method: clinical testing. Allele origin: germline. Affected: yes.
Comment: This variant is considered likely benign or benign based on one or more of the following criteria: it is a conservative change, it occurs at a poorly conserved position in the protein, it is predicted to be benign by multiple in silico algorithms, and/or has population frequency not consistent with disease.

Breakthrough Genomics
Classification: Benign. Review status: criteria provided, single submitter. Criteria: ACMG Guidelines, 2015. Collection method: not provided. Allele origin: germline. Inheritance: Autosomal recessive inheritance. Affected: yes.

PreventionGenetics, part of Exact Sciences
Classification: Benign. Review status: criteria provided, single submitter. Criteria: ACMG Guidelines, 2015. Collection method: clinical testing. Allele origin: germline.

Dr. Peter K. Rogan Lab, Western University
No classification provided (evidence only). Condition: Familial cancer of breast. Review status: no classification provided. Collection method: in vitro. Allele origin: not applicable. Functional consequence: retained intron. Not counted in ClinVar's aggregate classification.

Dr. Peter K. Rogan Lab, Western University
No classification provided (evidence only). Condition: Familial cancer of breast. Review status: no classification provided. Collection method: in vitro. Allele origin: not applicable. Functional consequence: retained intron. Not counted in ClinVar's aggregate classification.

Dr. Peter K. Rogan Lab, Western University
No classification provided (evidence only). Condition: Familial cancer of breast. Review status: no classification provided. Collection method: in vitro. Allele origin: not applicable. Functional consequence: retained intron. Not counted in ClinVar's aggregate classification.

NM_016373.4(WWOX):c.516+6T>C

Gene: WWOX (WW domain containing oxidoreductase; plus strand). Cytogenetic location: 16q23.1.
Variant type: single nucleotide variant.
Coding change: c.516+6T>C on transcript NM_016373.4 (MANE Select); 6 bases into the intron after coding-DNA position 516, T replaced by C.
Molecular consequence: intron variant.
Genome position (GRCh38, 1-based): chr16:78,164,295, T>C. VCF-style: chr16-78164295-T-C. GRCh37 (hg19) VCF-style: chr16-78198192-T-C.
Other names: p.?; c.177+6T>C (NM_001291997.2); c.516+6T>C (NM_130791.5).
Identifiers: ClinVar variation 260739 (VCV000260739.18), dbSNP rs2303191, ClinGen allele CA8183239.